The following is an entry in ClinVar:

NM_004104.5(FASN):c.3361C>T (p.Pro1121Ser)

Gene: FASN (fatty acid synthase; minus strand). Cytogenetic location: 17q25.3.
Variant type: single nucleotide variant.
Coding change: c.3361C>T on transcript NM_004104.5 (MANE Select); coding-DNA position 3361, C replaced by T.
Protein change: p.Pro1121Ser; replaces proline 1121 with serine.
Molecular consequence: missense variant.
Genome position (GRCh38, 1-based): chr17:82,087,116, G>A on the plus strand (C>T on the coding strand, the complement: FASN is on the minus strand). VCF-style: chr17-82087116-G-A. GRCh37 (hg19) VCF-style: chr17-80044992-G-A.
Other names: short protein forms P1121S.
Identifiers: ClinVar variation 567816 (VCV000567816.10), dbSNP rs139131741, ClinGen allele CA8852414.

ClinVar aggregate classification (germline): Uncertain significance (1 of 4 stars; one submission).

Conditions:
Epileptic encephalopathy. Identifiers: MedGen C0543888, HP:0200134.

Allele frequency attached by ClinVar (database versions not stated): TOPMed 0.00006; ExAC 0.00007; gnomAD 0.00014 and 0.00015; gnomAD exomes 0.00008; ESP Exome Variant Server 0.00015.
gnomAD v4.1: 132 of 1,612,024 alleles (0.0082%); highest among the groups gnomAD compares: Admixed American, 0.052%; no homozygotes.

Submission:

Labcorp Genetics (formerly Invitae), Labcorp
Classification: Uncertain significance for Epileptic encephalopathy. Last evaluated: 2025-11-28. Review status: criteria provided, single submitter. Criteria: Invitae Variant Classification Sherloc (09022015). Collection method: clinical testing. Allele origin: germline.
Comment: This sequence change replaces proline, which is neutral and non-polar, with serine, which is neutral and polar, at codon 1121 of the FASN protein (p.Pro1121Ser). The frequency data for this variant in the population databases is considered unreliable, as metrics indicate poor data quality at this position in the gnomAD database. This variant has not been reported in the literature in individuals affected with FASN-related conditions. ClinVar contains an entry for this variant (Variation ID: 567816). An algorithm developed to predict the effect of missense changes on protein structure and function (PolyPhen-2) suggests that this variant is likely to be disruptive. In summary, the available evidence is currently insufficient to determine the role of this variant in disease. Therefore, it has been classified as a Variant of Uncertain Significance.